The following is an entry in ClinVar:

NM_000238.4(KCNH2):c.527G>A (p.Arg176Gln)

Gene: KCNH2 (potassium voltage-gated channel subfamily H member 2; minus strand). Cytogenetic location: 7q36.1.
Variant type: single nucleotide variant.
Coding change: c.527G>A on transcript NM_000238.4 (MANE Select); coding-DNA position 527, G replaced by A.
Protein change: p.Arg176Gln; replaces arginine 176 with glutamine.
Molecular consequence: missense variant.
Genome position (GRCh38, 1-based): chr7:150,958,448, C>T on the plus strand (G>A on the coding strand, the complement: KCNH2 is on the minus strand). VCF-style: chr7-150958448-C-T. GRCh37 (hg19) VCF-style: chr7-150655536-C-T.
Other names: c.239G>A, p.Arg80Gln (NM_001406753.1, NM_001406756.1); c.350G>A, p.Arg117Gln (NM_001406755.1); c.227G>A, p.Arg76Gln (NM_001406757.1); c.527G>A, p.Arg176Gln (NM_172056.3); short protein forms R176Q, R117Q, R76Q, R80Q.
Identifiers: ClinVar variation 1010337 (VCV001010337.7), dbSNP rs1164359840, ClinGen allele CA369863430.

ClinVar aggregate classification (germline): Uncertain significance (1 of 4 stars; one submission).

Conditions:
Long QT syndrome (LQTS). Identifiers: MedGen C0023976, MeSH D008133, MONDO:0002442. Disease mechanism: loss of function. Inheritance: Various modes of inheritance.

Allele frequency attached by ClinVar (database versions not stated): gnomAD 0.00001; gnomAD exomes 0.00001 and 0.00004; TOPMed 0.00001.
gnomAD v4.1: 9 of 1,466,460 alleles (0.00061%); highest among the groups gnomAD compares: Admixed American, 0.015%; no homozygotes.

Submission:

Labcorp Genetics (formerly Invitae), Labcorp
Classification: Uncertain significance for Long QT syndrome. Last evaluated: 2023-10-28. Review status: criteria provided, single submitter. Criteria: Invitae Variant Classification Sherloc (09022015). Collection method: clinical testing. Allele origin: germline.
Comment: This sequence change replaces arginine, which is basic and polar, with glutamine, which is neutral and polar, at codon 176 of the KCNH2 protein (p.Arg176Gln). This variant is present in population databases (no rsID available, gnomAD 0.03%). This missense change has been observed in individual(s) with clinical features of KCNH2-related conditions (PMID: 30847666). ClinVar contains an entry for this variant (Variation ID: 1010337). An algorithm developed to predict the effect of missense changes on protein structure and function (PolyPhen-2) suggests that this variant¬†is likely to be tolerated. In summary, the available evidence is currently insufficient to determine the role of this variant in disease. Therefore, it has been classified as a Variant of Uncertain Significance.

Literature cited by the submitters: PubMed 30847666.